The following is an entry in ClinVar:

NM_001042492.3(NF1):c.3374C>T (p.Ala1125Val)

Gene: NF1 (neurofibromin 1; plus strand). Cytogenetic location: 17q11.2.
Variant type: single nucleotide variant.
Coding change: c.3374C>T on transcript NM_001042492.3 (MANE Select); coding-DNA position 3374, C replaced by T.
Protein change: p.Ala1125Val; replaces alanine 1125 with valine.
Molecular consequence: missense variant.
Genome position (GRCh38, 1-based): chr17:31,232,759, C>T. VCF-style: chr17-31232759-C-T. GRCh37 (hg19) VCF-style: chr17-29559777-C-T.
Other names: c.3374C>T, p.Ala1125Val (NM_000267.4); short protein forms A1125V.
Identifiers: ClinVar variation 457644 (VCV000457644.22), dbSNP rs902739109, ClinGen allele CA289337975.

ClinVar aggregate classification (germline): Conflicting classifications of pathogenicity. Review status: criteria provided, conflicting classifications (1 of 4 stars). 8 submissions from 8 submitters: Uncertain significance (5); Benign (1); Likely benign (2). Last evaluated 2025-10-02.

Conditions:
Hereditary cancer-predisposing syndrome. Also called: Hereditary Cancer Syndrome; Hereditary neoplastic syndrome; Tumor predisposition; Neoplastic Syndromes, Hereditary. Identifiers: Orphanet 140162, MedGen C0027672, MeSH D009386, MONDO:0015356.
Neurofibromatosis, type 1 (NF1). Also called: VON RECKLINGHAUSEN DISEASE; NEUROFIBROMATOSIS, TYPE I, SOMATIC; Peripheral type neurofibromatosis; Neurofibromatosis, type I. Identifiers: Orphanet 636, MedGen C0027831, MONDO:0018975, OMIM 162200. Disease mechanism: loss of function.
Cardiovascular phenotype. Identifiers: MedGen CN230736.
Café-au-lait macules with pulmonary stenosis (WTSN). Also called: PULMONIC STENOSIS WITH CAFE-AU-LAIT SPOTS. Identifiers: MedGen C0553586, MONDO:0008672, OMIM 193520.
Juvenile myelomonocytic leukemia (JMML). Also called: LEUKEMIA, JUVENILE MYELOMONOCYTIC, SOMATIC. Identifiers: Orphanet 86834, MedGen C0349639, MONDO:0011908, OMIM 607785, HP:0012209.
Neurofibromatosis-Noonan syndrome (NFNS). Also called: NEUROFIBROMATOSIS WITH NOONAN PHENOTYPE. Identifiers: Orphanet 638, MedGen C2931482, MONDO:0011035, OMIM 601321. Disease mechanism: loss of function.
Neurofibromatosis, familial spinal (FSNF). Identifiers: Orphanet 636, MedGen C1834235, MONDO:0008078, OMIM 162210. Disease mechanism: loss of function.

Allele frequency attached by ClinVar (database versions not stated): gnomAD exomes 0.00001 and 0.00002; TOPMed 0.00002.
gnomAD v4.1: 17 of 1,613,618 alleles (0.0011%); highest among the groups gnomAD compares: South Asian, 0.0044%; no homozygotes.

Submissions (8):

Labcorp Genetics (formerly Invitae), Labcorp
Classification: Benign for Neurofibromatosis, type 1. Last evaluated: 2025-10-02. Review status: criteria provided, single submitter. Criteria: Invitae Variant Classification Sherloc (09022015). Collection method: clinical testing. Allele origin: germline.

Quest Diagnostics Nichols Institute San Juan Capistrano
Classification: Uncertain significance. Last evaluated: 2024-01-29. Review status: criteria provided, single submitter. Criteria: Quest Diagnostics criteria. Collection method: clinical testing. Allele origin: unknown.

Ambry Genetics
Classification: Likely benign for Cardiovascular phenotype; Hereditary cancer-predisposing syndrome. Last evaluated: 2023-02-13. Review status: criteria provided, single submitter. Criteria: Ambry Variant Classification Scheme 2023. Collection method: clinical testing. Allele origin: germline.

GeneDx
Classification: Likely benign. Last evaluated: 2022-09-27. Review status: criteria provided, single submitter. Criteria: GeneDx Variant Classification Process June 2021. Collection method: clinical testing. Allele origin: germline. Affected: yes.
Comment: See Variant Classification Assertion Criteria.

Genome-Nilou Lab
Classification: Uncertain significance for Neurofibromatosis, type 1. Last evaluated: 2022-03-15. Review status: criteria provided, single submitter. Criteria: ACMG Guidelines, 2015. Collection method: clinical testing. Allele origin: germline. Affected: no.

Fulgent Genetics
Classification: Uncertain significance for Neurofibromatosis, type 1; Neurofibromatosis, familial spinal; Café-au-lait macules with pulmonary stenosis; Neurofibromatosis-Noonan syndrome; Juvenile myelomonocytic leukemia. Last evaluated: 2021-11-01. Review status: criteria provided, single submitter. Criteria: ACMG Guidelines, 2015. Collection method: clinical testing. Allele origin: unknown.

Sema4
Classification: Uncertain significance for Hereditary cancer-predisposing syndrome. Last evaluated: 2021-10-18. Review status: criteria provided, single submitter. Criteria: Sema4 Curation Guidelines. Collection method: curation. Allele origin: germline.
Comment: The NF1 c.3374C>T (p.A1125V) variant has been reported in heterozygosity in at least one individual being evaluated for neurofibromatosis, type 1 (PMID: 10336779). In breast cancer case-control studies, it has only been observed in the control populations (PMID: 30287823, 33471991). It was observed in 2/30616 chromosomes of the South Asian subpopulation in the large and broad cohorts of the Genome Aggregation Database (PMID: 32461654). The variant has been reported in ClinVar (Variation ID 457644). In silico tools suggest the impact of the variant on protein function is benign, though these predictions have not been confirmed by functional studies. There is no indication that this variant causes disease, but the evidence is insufficient currently to prove that conclusively. Thus, the clinical significance of this variant is currently uncertain.

Genetic Services Laboratory, University of Chicago
Classification: Uncertain significance. Last evaluated: 2018-07-12. Review status: criteria provided, single submitter. Criteria: ACMG Guidelines, 2015. Collection method: clinical testing. Allele origin: germline. Affected: no.

Literature cited by the submitters: PubMed 33471991 (cited by Quest Diagnostics Nichols Institute San Juan Capistrano and Sema4); PubMed 30287823 (cited by Quest Diagnostics Nichols Institute San Juan Capistrano and Sema4); PubMed 10336779 (cited by Quest Diagnostics Nichols Institute San Juan Capistrano and Sema4).